The following is an entry in ClinVar:

ClinVar aggregate classification (germline): Uncertain significance. Review status: criteria provided, multiple submitters, no conflicts (2 of 4 stars). 3 submissions from 3 submitters: Uncertain significance (2). 1 of the submissions does not count toward it. Last evaluated 2024-02-13.

Conditions:
X-linked Alport syndrome (ATS1). Also called: NEPHROPATHY AND DEAFNESS, X-LINKED; COL4A5-Related Nephropathy. Identifiers: Orphanet 63, Orphanet 88917, MedGen C4746986, MONDO:0010520, OMIM 301050.

Allele frequency attached by ClinVar (database versions not stated): TOPMed below 0.00001.
gnomAD v4.1: 13 of 1,208,926 alleles (0.0011%); highest among the groups gnomAD compares: Non-Finnish European, 0.0015%; no homozygotes.

Submissions (3):

Fulgent Genetics
Classification: Uncertain significance for X-linked Alport syndrome. Last evaluated: 2024-02-13. Review status: criteria provided, single submitter. Criteria: ACMG Guidelines, 2015. Collection method: clinical testing. Allele origin: germline.

Laboratory for Molecular Medicine, Mass General Brigham Personalized Medicine
Classification: Uncertain significance. Last evaluated: 2019-09-18. Review status: criteria provided, single submitter. Criteria: LMM Criteria. Collection method: clinical testing. Allele origin: germline. Observed: 1 variant allele.
Comment: The p.Leu14Val variant in COL4A5 has not been previously reported in individuals with Alport syndrome but has been identified in 0.001% (1/81016) of European chromosomes by gnomAD. Computational prediction tools and conservation analysis suggest that this variant may not impact the protein, though this information is not predictive enough to rule out pathogenicity. In summary, the clinical significance of this variant is uncertain. ACMG/AMP Criteria applied: PM2, BP4.

Natera, Inc.
Classification: Uncertain significance for X-linked Alport syndrome. Last evaluated: 2020-09-10. Review status: no assertion criteria provided. Collection method: clinical testing. Allele origin: germline. Not counted in ClinVar's aggregate classification.

NM_033380.3(COL4A5):c.40T>G (p.Leu14Val)

Gene: COL4A5 (collagen type IV alpha 5 chain; plus strand). Cytogenetic location: Xq22.3.
Variant type: single nucleotide variant.
Coding change: c.40T>G on transcript NM_033380.3 (MANE Select); coding-DNA position 40, T replaced by G.
Protein change: p.Leu14Val; replaces leucine 14 with valine.
Molecular consequence: missense variant.
Genome position (GRCh38, 1-based): chrX:108,440,165, T>G. VCF-style: chrX-108440165-T-G. GRCh37 (hg19) VCF-style: chrX-107683395-T-G.
Other names: c.40T>G, p.Leu14Val (NM_000495.5); short protein forms L14V.
Identifiers: ClinVar variation 929894 (VCV000929894.6), dbSNP rs760570519, ClinGen allele CA334149967.